The following is an entry in ClinVar:

NM_003896.4(ST3GAL5):c.567del (p.Lys190fs)

Gene: ST3GAL5 (ST3 beta-galactoside alpha-2,3-sialyltransferase 5; minus strand). Cytogenetic location: 2p11.2.
Variant type: Deletion.
Coding change: c.567del on transcript NM_003896.4 (MANE Select); coding-DNA position 567, one base deleted (C; older notation c.567delC).
Protein change: p.Lys190fs; shifts the reading frame from lysine 190.
Molecular consequence: frameshift variant. On other transcripts: 5 prime UTR variant (1).
Genome position (GRCh38, 1-based): chr2:85,847,956, G deleted on the plus strand (C on the coding strand, the reverse complement: ST3GAL5 is on the minus strand); the first of 2 consecutive G bases (chr2:85,847,956-85,847,957); deleting either gives the same sequence. VCF-style (leftmost placement, unchanged base first): chr2-85847955-TG-T. GRCh37 (hg19) VCF-style: chr2-86075078-TG-T.
Other names: c.183del, p.Lys62fs (NM_001354223.2, NM_001354224.2, NM_001354226.2 and 3 more transcripts); c.483del, p.Lys162fs (NM_001354227.2, NM_001354229.2, NM_001354238.1); c.-338del (NM_001354247.1); c.567del, p.Lys190fs (NM_001363847.1); c.498del, p.Lys167fs (NM_001042437.2); short protein forms K162fs, K62fs, K167fs, K190fs.
Identifiers: ClinVar variation 1458990 (VCV001458990.6), dbSNP rs2103959087, ClinGen allele CA2573135962.
Genomic context (GRCh38, chr2:85,847,955, plus strand): 5'-CCAGTTCTAATCCGTGCAGTATTCCTCCGCTTCCAATAACCACACAGCGCCGACAGGTCT[TG>T]GCTTTCAAGTGTTCAGGGAGGTCGTGCTCTGGCAAGAGTTCCAAGAGGGTCTGGACTTTA-3'

ClinVar aggregate classification (germline): Pathogenic (1 of 4 stars; one submission).

Conditions:
GM3 synthase deficiency (SPDRS). Also called: AMISH INFANTILE EPILEPSY SYNDROME; SALT AND PEPPER DEVELOPMENTAL REGRESSION SYNDROME; SALT AND PEPPER MENTAL RETARDATION SYNDROME. Identifiers: Orphanet 171714, Orphanet 370933, MedGen C1836824, MONDO:0018274, OMIM 609056.

Submission:

Labcorp Genetics (formerly Invitae), Labcorp
Classification: Pathogenic for GM3 synthase deficiency. Last evaluated: 2021-06-16. Review status: criteria provided, single submitter. Criteria: Invitae Variant Classification Sherloc (09022015). Collection method: clinical testing. Allele origin: germline.
Comment: This sequence change creates a premature translational stop signal (p.Lys190Argfs*18) in the ST3GAL5 gene. It is expected to result in an absent or disrupted protein product. Loss-of-function variants in ST3GAL5 are known to be pathogenic (PMID: 15502825, 22990144, 27232954). This variant is not present in population databases (ExAC no frequency). This variant has not been reported in the literature in individuals with ST3GAL5-related conditions. For these reasons, this variant has been classified as Pathogenic.

Literature cited by the submitters: PubMed 15502825; PubMed 22990144; PubMed 27232954.